The following is an entry in ClinVar:

ClinVar aggregate classification (germline): Uncertain significance (1 of 4 stars; one submission).

Submission:

Labcorp Genetics (formerly Invitae), Labcorp
Classification: Uncertain significance. Last evaluated: 2025-08-14. Review status: criteria provided, single submitter. Criteria: Invitae Variant Classification Sherloc (09022015). Collection method: clinical testing. Allele origin: germline.
Comment: This sequence change falls in intron 5 of the RAB28 gene. It does not directly change the encoded amino acid sequence of the RAB28 protein. This variant is not present in population databases (gnomAD no frequency). This variant has not been reported in the literature in individuals affected with RAB28-related conditions. Algorithms developed to predict the effect of sequence changes on RNA splicing suggest that this variant may disrupt the consensus splice site. In summary, the available evidence is currently insufficient to determine the role of this variant in disease. Therefore, it has been classified as a Variant of Uncertain Significance.

NM_001017979.3(RAB28):c.496-5T>G

Gene: RAB28 (RAB28, member RAS oncogene family; minus strand). Cytogenetic location: 4p15.33.
Variant type: single nucleotide variant.
Coding change: c.496-5T>G on transcript NM_001017979.3 (MANE Select); 5 bases into the intron before coding-DNA position 496, T replaced by G.
Molecular consequence: intron variant.
Genome position (GRCh38, 1-based): chr4:13,376,627, A>C on the plus strand (T>G on the coding strand, the complement: RAB28 is on the minus strand). VCF-style: chr4-13376627-A-C. GRCh37 (hg19) VCF-style: chr4-13378251-A-C.
Other names: c.496-5T>G (NM_004249.4, NM_001159601.2).
Identifiers: ClinVar variation 4711700 (VCV004711700.1).